The following is an entry in ClinVar:

NM_000112.4(SLC26A2):c.2012G>A (p.Arg671His)

Gene: SLC26A2 (solute carrier family 26 member 2; plus strand). Cytogenetic location: 5q32.
Variant type: single nucleotide variant.
Coding change: c.2012G>A on transcript NM_000112.4 (MANE Select); coding-DNA position 2012, G replaced by A.
Protein change: p.Arg671His; replaces arginine 671 with histidine.
Molecular consequence: missense variant.
Genome position (GRCh38, 1-based): chr5:149,981,605, G>A. VCF-style: chr5-149981605-G-A. GRCh37 (hg19) VCF-style: chr5-149361168-G-A.
Other names: short protein forms R671H.
Identifiers: ClinVar variation 1224382 (VCV001224382.8), dbSNP rs1038419867, ClinGen allele CA129084797.

ClinVar aggregate classification (germline): Uncertain significance. Review status: criteria provided, multiple submitters, no conflicts (2 of 4 stars). 2 submissions from 2 submitters: Uncertain significance (2). Last evaluated 2026-01-11.

Conditions:
Achondrogenesis, type IB (ACG1B). Also called: Achondrogenesis Type 1B. Identifiers: Orphanet 932, Orphanet 93298, MedGen C0265274, MONDO:0010966, OMIM 600972.
Atelosteogenesis type II (AO2). Also called: NEONATAL OSSEOUS DYSPLASIA I; Neonatal osseous dysplasia 1; SLC26A2-Related Atelosteogenesis. Identifiers: Orphanet 56304, MedGen C1850554, MONDO:0009727, OMIM 256050.
Multiple epiphyseal dysplasia type 4 (EDM4). Also called: MULTIPLE EPIPHYSEAL DYSPLASIA WITH BILAYERED PATELLAE; MULTIPLE EPIPHYSEAL DYSPLASIA WITH CLUBFOOT; MULTIPLE EPIPHYSEAL DYSPLASIA, AUTOSOMAL RECESSIVE; Multiple Epiphyseal Dysplasia, Recessive; SLC26A2-Related Multiple Epiphyseal Dysplasia. Identifiers: Orphanet 93307, MedGen C1847593, MONDO:0009189, OMIM 226900.
Diastrophic dysplasia (DTD). Also called: Diastrophic dwarfism. Identifiers: Orphanet 628, MedGen C0220726, MONDO:0009107, OMIM 222600.

Allele frequency attached by ClinVar (database versions not stated): gnomAD 0.00001; gnomAD exomes 0.00002.
gnomAD v4.1: 18 of 1,613,996 alleles (0.0011%); highest among the groups gnomAD compares: East Asian, 0.0045%; no homozygotes.

Submissions (2):

Labcorp Genetics (formerly Invitae), Labcorp
Classification: Uncertain significance for Atelosteogenesis type II; Multiple epiphyseal dysplasia type 4; Achondrogenesis, type IB; Diastrophic dysplasia. Last evaluated: 2026-01-11. Review status: criteria provided, single submitter. Criteria: Invitae Variant Classification Sherloc (09022015). Collection method: clinical testing. Allele origin: germline.
Comment: This sequence change replaces arginine, which is basic and polar, with histidine, which is basic and polar, at codon 671 of the SLC26A2 protein (p.Arg671His). This variant is present in population databases (no rsID available, gnomAD 0.01%). This variant has not been reported in the literature in individuals affected with SLC26A2-related conditions. ClinVar contains an entry for this variant (Variation ID: 1224382). Invitae Evidence Modeling of protein sequence and biophysical properties (such as structural, functional, and spatial information, amino acid conservation, physicochemical variation, residue mobility, and thermodynamic stability) indicates that this missense variant is not expected to disrupt SLC26A2 protein function with a negative predictive value of 80%. In summary, the available evidence is currently insufficient to determine the role of this variant in disease. Therefore, it has been classified as a Variant of Uncertain Significance.

Blueprint Genetics
Classification: Uncertain significance. Last evaluated: 2021-09-20. Review status: criteria provided, single submitter. Criteria: ACMG Guidelines, 2015. Collection method: clinical testing. Allele origin: germline.